The following is an entry in ClinVar:

NM_002473.6(MYH9):c.5048T>C (p.Ile1683Thr)

Gene: MYH9 (myosin heavy chain 9; minus strand). Cytogenetic location: 22q12.3.
Variant type: single nucleotide variant.
Coding change: c.5048T>C on transcript NM_002473.6 (MANE Select); coding-DNA position 5048, T replaced by C.
Protein change: p.Ile1683Thr; replaces isoleucine 1683 with threonine.
Molecular consequence: missense variant.
Genome position (GRCh38, 1-based): chr22:36,286,731, A>G on the plus strand (T>C on the coding strand, the complement: MYH9 is on the minus strand). VCF-style: chr22-36286731-A-G. GRCh37 (hg19) VCF-style: chr22-36682777-A-G.
Other names: short protein forms I1683T.
Identifiers: ClinVar variation 1922382 (VCV001922382.5), dbSNP rs2016589518, ClinGen allele CA411374359.

ClinVar aggregate classification (germline): Uncertain significance (1 of 4 stars; one submission).

Allele frequency attached by ClinVar (database versions not stated): TOPMed below 0.00001; gnomAD 0.00001; gnomAD exomes 0.00001.
gnomAD v4.1: 9 of 1,612,690 alleles (0.00056%); highest among the groups gnomAD compares: Non-Finnish European, 0.00068%; no homozygotes.

Submission:

Labcorp Genetics (formerly Invitae), Labcorp
Classification: Uncertain significance. Last evaluated: 2025-10-29. Review status: criteria provided, single submitter. Criteria: Invitae Variant Classification Sherloc (09022015). Collection method: clinical testing. Allele origin: germline.
Comment: This sequence change replaces isoleucine, which is neutral and non-polar, with threonine, which is neutral and polar, at codon 1683 of the MYH9 protein (p.Ile1683Thr). This variant is not present in population databases (gnomAD no frequency). This variant has not been reported in the literature in individuals affected with MYH9-related conditions. ClinVar contains an entry for this variant (Variation ID: 1922382). Invitae Evidence Modeling of protein sequence and biophysical properties (such as structural, functional, and spatial information, amino acid conservation, physicochemical variation, residue mobility, and thermodynamic stability) indicates that this missense variant is not expected to disrupt MYH9 protein function with a negative predictive value of 95%. In summary, the available evidence is currently insufficient to determine the role of this variant in disease. Therefore, it has been classified as a Variant of Uncertain Significance.